The following is an entry in ClinVar:

NM_001148.6(ANK2):c.1754G>A (p.Arg585His)

Gene: ANK2 (ankyrin 2; plus strand). Cytogenetic location: 4q26.
Variant type: single nucleotide variant.
Coding change: c.1754G>A on transcript NM_001148.6 (MANE Select); coding-DNA position 1754, G replaced by A.
Protein change: p.Arg585His; replaces arginine 585 with histidine.
Molecular consequence: missense variant.
Genome position (GRCh38, 1-based): chr4:113,277,907, G>A. VCF-style: chr4-113277907-G-A. GRCh37 (hg19) VCF-style: chr4-114199063-G-A.
Other names: c.1691G>A, p.Arg564His (NM_001127493.3, NM_001354239.2, NM_001354243.2 and 14 more transcripts); c.1754G>A, p.Arg585His (NM_001354225.2, NM_001354228.2, NM_001354232.2 and 8 more transcripts); c.1799G>A, p.Arg600His (NM_001354230.2, NM_001354231.2, NM_001354237.2 and 5 more transcripts); c.1667G>A, p.Arg556His (NM_001354249.2, NM_001354260.2, NM_001354264.2 and 13 more transcripts); c.1712G>A, p.Arg571His (NM_001354261.2, NM_001386147.1, NM_001386160.1); c.1544G>A, p.Arg515His (NM_001354269.3); c.1556G>A, p.Arg519His (NM_001354273.2); c.1469G>A, p.Arg490His (NM_001354277.2, NM_001386157.1, NM_001386158.1); and 4 more; short protein forms R515H, R519H, R556H, R564H, R571H, R581H, R490H, R594H.
Identifiers: ClinVar variation 2475498 (VCV002475498.2), dbSNP rs755757246, ClinGen allele CA357911193.
Genomic context (GRCh38, chr4:113,277,907, plus strand): 5'-CTCCCCTGCATGTAGCAGCCAAGTATGGAAGCCTGGATGTGGCAAAACTTCTCTTGCAAC[G>A]CCGTGCTGCCGCAGATTCTGCAGGGAAGGTAAAGATTTTCTATACGTTATAATTATGTAA-3'
Protein context (NP_001139.3, residues 575-595): SLDVAKLLLQ[Arg585His]RAAADSAGKN

ClinVar aggregate classification (germline): Uncertain significance (1 of 4 stars; one submission).

Conditions:
Cardiovascular phenotype. Identifiers: MedGen CN230736.

Allele frequency attached by ClinVar (database versions not stated): gnomAD 0.00001.

Submission:

Ambry Genetics
Classification: Uncertain significance for Cardiovascular phenotype. Last evaluated: 2023-02-14. Review status: criteria provided, single submitter. Criteria: Ambry Variant Classification Scheme 2023. Collection method: clinical testing. Allele origin: germline.
Comment: The c.1754G>A (p.R585H) alteration is located in exon 16 (coding exon 16) of the ANK2 gene. This alteration results from a G to A substitution at nucleotide position 1754, causing the arginine (R) at amino acid position 585 to be replaced by a histidine (H). This variant was not reported in population-based cohorts in the Genome Aggregation Database (gnomAD). This amino acid position is well conserved in available vertebrate species. This alteration is predicted to be tolerated by in silico analysis. Based on insufficient or conflicting evidence, the clinical significance of this alteration remains unclear.